The following is an entry in ClinVar:

ClinVar aggregate classification (germline): Uncertain significance. Review status: criteria provided, multiple submitters, no conflicts (2 of 4 stars). 3 submissions from 3 submitters: Uncertain significance (3). Last evaluated 2025-12-09.

Conditions:
Inborn genetic diseases. Identifiers: MedGen C0950123, MeSH D030342.

Allele frequency attached by ClinVar (database versions not stated): gnomAD 0.00002; TOPMed 0.00002; gnomAD exomes 0.00001 and 0.00002.
gnomAD v4.1: 11 of 1,604,608 alleles (0.00069%); highest among the groups gnomAD compares: Admixed American, 0.019%; no homozygotes.

Submissions (3):

Ambry Genetics
Classification: Uncertain significance for Inborn genetic diseases. Last evaluated: 2025-12-09. Review status: criteria provided, single submitter. Criteria: Ambry Variant Classification Scheme 2023. Collection method: clinical testing. Allele origin: germline.

GeneDx
Classification: Uncertain significance. Last evaluated: 2025-12-02. Review status: criteria provided, single submitter. Criteria: GeneDx Variant Classification Process June 2021. Collection method: clinical testing. Allele origin: germline.
Comment: In silico analysis supports that this missense variant has a deleterious effect on protein structure/function; Has not been previously published as pathogenic or benign to our knowledge

Eurofins Ntd Llc (ga)
Classification: Uncertain significance. Last evaluated: 2017-10-11. Review status: criteria provided, single submitter. Criteria: EGL Classification Definitions 2015. Collection method: clinical testing. Allele origin: germline. Observed: 1 variant allele, 1 heterozygote.

NM_004817.4(TJP2):c.2863C>A (p.Pro955Thr)

Gene: TJP2 (tight junction protein 2; plus strand). Cytogenetic location: 9q21.11.
Variant type: single nucleotide variant.
Coding change: c.2863C>A on transcript NM_004817.4 (MANE Select); coding-DNA position 2863, C replaced by A.
Protein change: p.Pro955Thr; replaces proline 955 with threonine.
Molecular consequence: missense variant. On other transcripts: intron variant (1).
Genome position (GRCh38, 1-based): chr9:69,248,207, C>A. VCF-style: chr9-69248207-C-A. GRCh37 (hg19) VCF-style: chr9-71863123-C-A.
Other names: c.2794C>A, p.Pro932Thr (NM_001170414.2, NM_001369871.1); c.2875C>A, p.Pro959Thr (NM_001170415.1, NM_001369874.1, NM_001369875.1); c.2956C>A, p.Pro986Thr (NM_001170416.2); c.2788C>A, p.Pro930Thr (NM_001369870.1); c.2863C>A, p.Pro955Thr (NM_001369872.1, NM_201629.3, LRG_1201t1); c.2667+1417C>A (NM_001369873.1); c.2863C>A (NM_004817.3); short protein forms P955T, P930T, P932T, P986T, P959T.
Identifiers: ClinVar variation 594503 (VCV000594503.10), dbSNP rs1034527835, ClinGen allele CA373538506.